The following is an entry in ClinVar:

NM_001018115.3(FANCD2):c.62C>G (p.Ser21Cys)

Gene: FANCD2 (FA complementation group D2; plus strand). Cytogenetic location: 3p25.3.
Variant type: single nucleotide variant.
Coding change: c.62C>G on transcript NM_001018115.3 (MANE Select); coding-DNA position 62, C replaced by G.
Protein change: p.Ser21Cys; replaces serine 21 with cysteine.
Molecular consequence: missense variant.
Genome position (GRCh38, 1-based): chr3:10,028,719, C>G. VCF-style: chr3-10028719-C-G. GRCh37 (hg19) VCF-style: chr3-10070403-C-G.
Other names: c.62C>G, p.Ser21Cys (NM_001319984.2, NM_001374253.1, NM_001374254.1 and 2 more transcripts); short protein forms S21C.
Identifiers: ClinVar variation 2056253 (VCV002056253.4), dbSNP rs2470691316, ClinGen allele CA351715907.
Genomic context (GRCh38, chr3:10,028,719, plus strand): 5'-TGGTTTCCAAAAGAAGACTGTCAAAATCTGAGGATAAAGAGAGCCTGACAGAAGATGCCT[C>G]CAGTAAGTATCTAGTCATTTGTTGCTTTATTTCCTGTAGCAATGTGTGAGGCATGTGAGA-3'
Protein context (NP_001018125.1, residues 11-31): EDKESLTEDA[Ser21Cys]KTRKQPLSKK

ClinVar aggregate classification (germline): Uncertain significance (1 of 4 stars; one submission).

Conditions:
Fanconi anemia (FA). Also called: Fanconi's anemia. Identifiers: Orphanet 84, MedGen C0015625, MeSH D005199, MONDO:0019391.

Submission:

Labcorp Genetics (formerly Invitae), Labcorp
Classification: Uncertain significance for Fanconi anemia. Last evaluated: 2021-12-23. Review status: criteria provided, single submitter. Criteria: Invitae Variant Classification Sherloc (09022015). Collection method: clinical testing. Allele origin: germline.
Comment: This sequence change replaces serine, which is neutral and polar, with cysteine, which is neutral and slightly polar, at codon 21 of the FANCD2 protein (p.Ser21Cys). This variant is not present in population databases (gnomAD no frequency). This variant has not been reported in the literature in individuals affected with FANCD2-related conditions. Algorithms developed to predict the effect of missense changes on protein structure and function are either unavailable or do not agree on the potential impact of this missense change (SIFT: "Deleterious"; PolyPhen-2: "Benign"; Align-GVGD: "Class C0"). In summary, the available evidence is currently insufficient to determine the role of this variant in disease. Therefore, it has been classified as a Variant of Uncertain Significance.